The following is an entry in ClinVar:

ClinVar aggregate classification (germline): Uncertain significance (1 of 4 stars; one submission).

gnomAD v4.1: 3 of 1,590,066 alleles (0.00019%); highest among the groups gnomAD compares: Non-Finnish European, 0.00026%; no homozygotes.

Submission:

Labcorp Genetics (formerly Invitae), Labcorp
Classification: Uncertain significance. Last evaluated: 2025-01-14. Review status: criteria provided, single submitter. Criteria: Invitae Variant Classification Sherloc (09022015). Collection method: clinical testing. Allele origin: germline.
Comment: This sequence change replaces phenylalanine, which is neutral and non-polar, with leucine, which is neutral and non-polar, at codon 3995 of the ADGRV1 protein (p.Phe3995Leu). This variant is not present in population databases (gnomAD no frequency). This variant has not been reported in the literature in individuals affected with ADGRV1-related conditions. An algorithm developed to predict the effect of missense changes on protein structure and function outputs the following: PolyPhen-2: "Probably Damaging". The leucine amino acid residue is found in multiple mammalian species, which suggests that this missense change does not adversely affect protein function. In summary, the available evidence is currently insufficient to determine the role of this variant in disease. Therefore, it has been classified as a Variant of Uncertain Significance.

NM_032119.4(ADGRV1):c.11985T>A (p.Phe3995Leu)

Gene: ADGRV1 (adhesion G protein-coupled receptor V1; plus strand). Cytogenetic location: 5q14.3.
Variant type: single nucleotide variant.
Coding change: c.11985T>A on transcript NM_032119.4 (MANE Select); coding-DNA position 11985, T replaced by A.
Protein change: p.Phe3995Leu; replaces phenylalanine 3995 with leucine.
Molecular consequence: missense variant. On other transcripts: non-coding transcript variant (1).
Genome position (GRCh38, 1-based): chr5:90,759,453, T>A. VCF-style: chr5-90759453-T-A. GRCh37 (hg19) VCF-style: chr5-90055270-T-A.
Other names: short protein forms F3995L.
Identifiers: ClinVar variation 3705408 (VCV003705408.2).